The following is an entry in ClinVar:

ClinVar aggregate classification (germline): Uncertain significance (1 of 4 stars; one submission).

Conditions:
Lymphatic malformation 6 (LMPHM6). Also called: GENERALIZED LYMPHATIC DYSPLASIA OF FOTIOU; Lymphedema, hereditary, III; PIEZO1-related generalized lymphatic dysplasia with non-immune hydrops fetalis. Identifiers: Orphanet 568062, MedGen C4225184, MONDO:0014797, OMIM 616843.

Submission:

Clinical Genomics Laboratory, Washington University in St. Louis
Classification: Uncertain significance for Lymphatic malformation 6. Last evaluated: 2026-05-04. Review status: criteria provided, single submitter. Criteria: ACMG Guidelines, 2015. Collection method: clinical testing. Allele origin: germline.
Comment: A PIEZO1 c.4382G>C (p.Arg1461Pro) variant was identified at a near heterozygous allelic fraction of 48.3%, a frequency which may be consistent with germline origin. This variant, to our knowledge, has not been reported in the medical literature or the ClinVar database. It is absent from the general population (gnomAD v4.1.1), indicating it is not a common variant. Computational predictors suggest that the variant does not impact PIEZO1 function. Due to limited information, and based on ACMG/AMP guidelines for variant interpretation (Richards S et al., PMID: 25741868), the clinical significance of this variant is uncertain at this time.

NM_001142864.4(PIEZO1):c.4382G>C (p.Arg1461Pro)

Gene: PIEZO1 (piezo type mechanosensitive ion channel component 1 (Er blood group); minus strand). Cytogenetic location: 16q24.3.
Variant type: single nucleotide variant.
Coding change: c.4382G>C on transcript NM_001142864.4 (MANE Select); coding-DNA position 4382, G replaced by C.
Protein change: p.Arg1461Pro; replaces arginine 1461 with proline.
Molecular consequence: missense variant.
Genome position (GRCh38, 1-based): chr16:88,723,282, C>G on the plus strand (G>C on the coding strand, the complement: PIEZO1 is on the minus strand). VCF-style: chr16-88723282-C-G. GRCh37 (hg19) VCF-style: chr16-88789690-C-G.
Other names: short protein forms R1461P.
Identifiers: ClinVar variation 4974661 (VCV004974661.1).